The following is an entry in ClinVar:

NM_139058.3(ARX):c.1608G>C (p.Arg536Ser)

Gene: ARX (aristaless related homeobox; minus strand). Cytogenetic location: Xp21.3.
Variant type: single nucleotide variant.
Coding change: c.1608G>C on transcript NM_139058.3 (MANE Select); coding-DNA position 1608, G replaced by C.
Protein change: p.Arg536Ser; replaces arginine 536 with serine.
Molecular consequence: missense variant.
Genome position (GRCh38, 1-based): chrX:25,004,751, C>G on the plus strand (G>C on the coding strand, the complement: ARX is on the minus strand). VCF-style: chrX-25004751-C-G. GRCh37 (hg19) VCF-style: chrX-25022868-C-G.
Other names: short protein forms R536S.
Identifiers: ClinVar variation 3602967 (VCV003602967.2).

ClinVar aggregate classification (germline): Conflicting classifications of pathogenicity. Review status: criteria provided, conflicting classifications (1 of 4 stars). 2 submissions from 2 submitters: Likely pathogenic (1); Uncertain significance (1). Last evaluated 2025-07-10.

Conditions:
Intellectual disability, X-linked, with or without seizures, ARX-related. Also called: MENTAL RETARDATION, X-LINKED 29; MENTAL RETARDATION, X-LINKED 32; MENTAL RETARDATION, X-LINKED 33; MENTAL RETARDATION, X-LINKED 38; MENTAL RETARDATION, X-LINKED 43; MENTAL RETARDATION, X-LINKED 76. Identifiers: Orphanet 777, MedGen C0796244, MONDO:0010317, OMIM 300419.
Developmental and epileptic encephalopathy, 1 (DEE1). Also called: X-linked infantile spasms; West's syndrome; Tonic spasms with clustering, arrest of psychomotor development and hypsarrhythmia on EEG; X-Linked Infantile Spasm Syndrome; OHTAHARA SYNDROME, X-LINKED; INFANTILE SPASM SYNDROME, X-LINKED 1. Identifiers: MedGen C3463992, MONDO:0010632, OMIM 308350. Disease mechanism: loss of function.

Submissions (2):

Labcorp Genetics (formerly Invitae), Labcorp
Classification: Uncertain significance for Developmental and epileptic encephalopathy, 1; Intellectual disability, X-linked, with or without seizures, ARX-related. Last evaluated: 2025-07-10. Review status: criteria provided, single submitter. Criteria: Invitae Variant Classification Sherloc (09022015). Collection method: clinical testing. Allele origin: germline.
Comment: This sequence change replaces arginine, which is basic and polar, with serine, which is neutral and polar, at codon 536 of the ARX protein (p.Arg536Ser). This variant is not present in population databases (gnomAD no frequency). This missense change has been observed in individual(s) with ARX-related conditions and/or intellectual disability (PMID: 25644381; internal data). ClinVar contains an entry for this variant (Variation ID: 3602967). Invitae Evidence Modeling of protein sequence and biophysical properties (such as structural, functional, and spatial information, amino acid conservation, physicochemical variation, residue mobility, and thermodynamic stability) indicates that this missense variant is expected to disrupt ARX protein function with a positive predictive value of 80%. In summary, the available evidence is currently insufficient to determine the role of this variant in disease. Therefore, it has been classified as a Variant of Uncertain Significance.

GeneDx
Classification: Likely pathogenic. Last evaluated: 2024-08-01. Review status: criteria provided, single submitter. Criteria: GeneDx Variant Classification Process June 2021. Collection method: clinical testing. Allele origin: germline. Affected: yes.
Comment: In silico analysis supports that this missense variant has a deleterious effect on protein structure/function; Not observed at significant frequency in large population cohorts (gnomAD); Has not been previously published as pathogenic or benign to our knowledge; This variant is associated with the following publications: (PMID: 20300201, 31164858, 32313153)

Literature cited by the submitters: PubMed 25644381 (cited by Labcorp Genetics (formerly Invitae), Labcorp).